The following is an entry in ClinVar:

NM_001613.4(ACTA2):c.873C>G (p.Ile291Met)

Genes: ACTA2 (actin alpha 2, smooth muscle; minus strand), ACTA2-AS1 (ACTA2 antisense RNA 1; plus strand). Cytogenetic location: 10q23.31.
Variant type: single nucleotide variant.
Coding change: c.873C>G on transcript NM_001613.4 (MANE Select); coding-DNA position 873, C replaced by G.
Protein change: p.Ile291Met; replaces isoleucine 291 with methionine.
Molecular consequence: missense variant.
Genome position (GRCh38, 1-based): chr10:88,938,178, G>C on the plus strand (C>G on the coding strand, the complement: ACTA2 is on the minus strand). VCF-style: chr10-88938178-G-C. GRCh37 (hg19) VCF-style: chr10-90697935-G-C.
Other names: c.873C>G, p.Ile291Met (NM_001320855.2, NM_001406462.1, NM_001406463.1 and 2 more transcripts); c.762C>G, p.Ile254Met (NM_001406466.1); c.744C>G, p.Ile248Met (NM_001406467.1, NM_001406468.1, NM_001406469.1); c.681C>G, p.Ile227Met (NM_001406471.1); short protein forms I291M, I248M, I227M, I254M.
Identifiers: ClinVar variation 927130 (VCV000927130.9), dbSNP rs1233218233, ClinGen allele CA377510895.

ClinVar aggregate classification (germline): Uncertain significance. Review status: criteria provided, multiple submitters, no conflicts (2 of 4 stars). 3 submissions from 3 submitters: Uncertain significance (3). Last evaluated 2026-07-06.

Conditions:
Familial thoracic aortic aneurysm and aortic dissection (TAAD). Also called: Thoracic aortic aneurysms and dissections. Identifiers: Orphanet 91387, MedGen C4707243, MONDO:0019625.

Submissions (3):

Ambry Genetics
Classification: Uncertain significance for Familial thoracic aortic aneurysm and aortic dissection. Last evaluated: 2026-07-06. Review status: criteria provided, single submitter. Criteria: Ambry Variant Classification Scheme 2023. Collection method: clinical testing. Allele origin: germline.
Comment: The p.I291M variant (also known as c.873C>G), located in coding exon 7 of the ACTA2 gene, results from a C to G substitution at nucleotide position 873. The isoleucine at codon 291 is replaced by methionine, an amino acid with highly similar properties. This amino acid position is conserved. In addition, this alteration is predicted to be deleterious by in silico analysis. Based on the available evidence, the clinical significance of this variant remains unclear.

All of Us Research Program, National Institutes of Health
Classification: Uncertain significance for Familial thoracic aortic aneurysm and aortic dissection. Last evaluated: 2024-07-20. Review status: criteria provided, single submitter. Criteria: ACMG Guidelines, 2015. Collection method: clinical testing. Allele origin: germline. Inheritance: Autosomal dominant inheritance. Observed: 2 variant alleles, 2 heterozygotes.
Comment: Variant of Uncertain Significance due to insufficient evidence: This missense variant replaces isoleucine with methionine at codon 291 of the ACTA2 protein. Computational prediction tools and conservation analyses suggest that this variant may have deleterious impact on the protein function. Computational splicing tools suggest that this variant may not impact RNA splicing. To our knowledge, functional assays have not been performed for this variant nor has this variant been reported in individuals affected with cardiovascular disorders in the literature. This variant is rare in the general population and has been identified in 0/277264 chromosomes by the Genome Aggregation Database (gnomAD). Available evidence is insufficient to determine the pathogenicity of this variant conclusively.

This study involves interpretation of variants in research participants for the purpose of population health screening. Participant phenotype was not available at the time of variant classification. Additional details can be found in publication PMID: 35346344, PMCID: PMC8962531

Color Diagnostics, LLC DBA Color Health
Classification: Uncertain significance for Familial thoracic aortic aneurysm and aortic dissection. Last evaluated: 2023-12-04. Review status: criteria provided, single submitter. Criteria: ACMG Guidelines, 2015. Collection method: clinical testing. Allele origin: germline.
Comment: Variant of Uncertain Significance due to insufficient evidence: This missense variant replaces isoleucine with methionine at codon 291 of the ACTA2 protein. Computational prediction tools and conservation analyses suggest that this variant may have deleterious impact on the protein function. Computational splicing tools suggest that this variant may not impact RNA splicing. To our knowledge, functional assays have not been performed for this variant nor has this variant been reported in individuals affected with cardiovascular disorders in the literature. This variant is rare in the general population and has been identified in 0/277264 chromosomes by the Genome Aggregation Database (gnomAD). Available evidence is insufficient to determine the pathogenicity of this variant conclusively.